The following is an entry in ClinVar:

ClinVar aggregate classification (germline): Likely benign (1 of 4 stars; one submission).

Submission:

GeneDx
Classification: Likely benign. Last evaluated: 2017-08-23. Review status: criteria provided, single submitter. Criteria: GeneDx Variant Classification (06012015). Collection method: clinical testing. Allele origin: germline. Affected: yes.
Comment: This variant is considered likely benign or benign based on one or more of the following criteria: it is a conservative change, it occurs at a poorly conserved position in the protein, it is predicted to be benign by multiple in silico algorithms, and/or has population frequency not consistent with disease.

NM_001972.4(ELANE):c.367-16G>A

Gene: ELANE (elastase, neutrophil expressed; plus strand). Cytogenetic location: 19p13.3.
Variant type: single nucleotide variant.
Coding change: c.367-16G>A on transcript NM_001972.4 (MANE Select); 16 bases into the intron before coding-DNA position 367, G replaced by A.
Molecular consequence: intron variant.
Genome position (GRCh38, 1-based): chr19:855,548, G>A. VCF-style: chr19-855548-G-A. GRCh37 (hg19) VCF-style: chr19-855548-G-A.
Other names: c.367-16G>A (LRG_57t1).
Identifiers: ClinVar variation 511663 (VCV000511663.1), dbSNP rs1555709863, ClinGen allele CA658799087.